The following is an entry in ClinVar:

ClinVar aggregate classification (germline): Uncertain significance (1 of 4 stars; one submission).

Conditions:
Juvenile polyposis/hereditary hemorrhagic telangiectasia syndrome (JPHT). Also called: Juvenile Polyposis Syndrome / Hereditary Hemorrhagic Telangiectasia (JPS/HHT); JP/HHT SYNDROME; JUVENILE POLYPOSIS WITH HEREDITARY HEMORRHAGIC TELANGIECTASIA; POLYPOSIS, GENERALIZED JUVENILE, WITH PULMONARY ARTERIOVENOUS MALFORMATION; TELANGIECTASIA, HEREDITARY HEMORRHAGIC, WITH JUVENILE POLYPOSIS COLI. Identifiers: Orphanet 2929, MedGen C1832942, MONDO:0008278, OMIM 175050.

Submission:

All of Us Research Program, National Institutes of Health
Classification: Uncertain significance for Juvenile polyposis/hereditary hemorrhagic telangiectasia syndrome. Last evaluated: 2024-01-11. Review status: criteria provided, single submitter. Criteria: ACMG Guidelines, 2015. Collection method: clinical testing. Allele origin: germline. Inheritance: Autosomal dominant inheritance. Observed: 6 variant alleles, 6 heterozygotes.
Comment: This variant is an insertion of 37 nucleotides in the splice donor region in intron 11 of the SMAD4 gene. To our knowledge, functional studies have not been reported for this variant. This variant has not been reported in individuals affected with hereditary cancer in the literature. This variant has not been identified in the general population by the Genome Aggregation Database (gnomAD). The available evidence is insufficient to determine the role of this variant in disease conclusively. Therefore, this variant is classified as a Variant of Uncertain Significance.

This study involves interpretation of variants in research participants for the purpose of population health screening. Participant phenotype was not available at the time of variant classification. Additional details can be found in publication PMID: 35346344, PMCID: PMC8962531

NM_005359.6(SMAD4):c.1447+4_1447+5insTTGGTGTTGATGACCTTCGTCGCTTATGCATACTCAG

Gene: SMAD4 (SMAD family member 4; plus strand). Cytogenetic location: 18q21.2.
Variant type: Insertion.
Coding change: c.1447+4_1447+5insTTGGTGTTGATGACCTTCGTCGCTTATGCATACTCAG on transcript NM_005359.6 (MANE Select); bases 4 to 5 of the intron after coding-DNA position 1447, TTGGTGTTGATGACCTTCGTCGCTTATGCATACTCAG inserted.
Molecular consequence: intron variant.
Genome position: GRCh38: chr18:51,076,780-51,076,781. GRCh37 (hg19): chr18:48,603,150-48,603,151.
Other names: c.1447+4_1447+5insTTGGTGTTGATGACCTTCGTCGCTTATGCATACTCAG (NM_001407042.1, NM_001407041.1).
Identifiers: ClinVar variation 3069345 (VCV003069345.1), dbSNP rs587782550, ClinGen allele CA8966065.